The following is an entry in ClinVar:

ClinVar aggregate classification (germline): Uncertain significance (1 of 4 stars; one submission).

Allele frequency attached by ClinVar (database versions not stated): gnomAD exomes 0.00002 and 0.00005; ExAC 0.00003; gnomAD 0.00003 and 0.00004; TOPMed 0.00006; ESP Exome Variant Server 0.00016.
gnomAD v4.1: 30 of 1,614,046 alleles (0.0019%); highest among the groups gnomAD compares: East Asian, 0.016%; no homozygotes.

Submission:

Labcorp Genetics (formerly Invitae), Labcorp
Classification: Uncertain significance. Last evaluated: 2021-06-05. Review status: criteria provided, single submitter. Criteria: Invitae Variant Classification Sherloc (09022015). Collection method: clinical testing. Allele origin: germline.
Comment: In summary, the available evidence is currently insufficient to determine the role of this variant in disease. Therefore, it has been classified as a Variant of Uncertain Significance. Algorithms developed to predict the effect of missense changes on protein structure and function are either unavailable or do not agree on the potential impact of this missense change (SIFT: "Deleterious"; PolyPhen-2: "Probably Damaging"; Align-GVGD: "Class C0"). This variant has not been reported in the literature in individuals with MYO5B-related conditions. This variant is present in population databases (rs371387703, ExAC 0.02%). This sequence change replaces arginine with glutamine at codon 1154 of the MYO5B protein (p.Arg1154Gln). The arginine residue is highly conserved and there is a small physicochemical difference between arginine and glutamine.

NM_001080467.3(MYO5B):c.3461G>A (p.Arg1154Gln)

Gene: MYO5B (myosin VB; minus strand). Cytogenetic location: 18q21.1.
Variant type: single nucleotide variant.
Coding change: c.3461G>A on transcript NM_001080467.3 (MANE Select); coding-DNA position 3461, G replaced by A.
Protein change: p.Arg1154Gln; replaces arginine 1154 with glutamine.
Molecular consequence: missense variant.
Genome position (GRCh38, 1-based): chr18:49,875,763, C>T on the plus strand (G>A on the coding strand, the complement: MYO5B is on the minus strand). VCF-style: chr18-49875763-C-T. GRCh37 (hg19) VCF-style: chr18-47402133-C-T.
Other names: short protein forms R1154Q.
Identifiers: ClinVar variation 1398780 (VCV001398780.6), dbSNP rs371387703, ClinGen allele CA8960712.
Genomic context (GRCh38, chr18:49,875,763, plus strand): 5'-TCCTGCTGTTCTCTCTTCTCCAGCTGCACTTGCAGCTTTTTCCTCTCCTGCTCCAGCTCC[C>T]GTACTCTCTTCTGCAGCTTCAGGAAGACCGTCATGTCCATGGCTGCCTTCTCCAGGCCAA-3'
Protein context (NP_001073936.1, residues 1144-1164): TVFLKLQKRV[Arg1154Gln]ELEQERKKLQ